The following is an entry in ClinVar:

NM_004054.4(C3AR1):c.1230dup (p.Lys411fs)

Gene: C3AR1 (complement C3a receptor 1; minus strand). Cytogenetic location: 12p13.31.
Variant type: Duplication.
Coding change: c.1230dup on transcript NM_004054.4 (MANE Select); coding-DNA position 1230, one base duplicated (G; older notation c.1230dupG).
Protein change: p.Lys411fs; shifts the reading frame from lysine 411.
Molecular consequence: frameshift variant.
Genome position (GRCh38, 1-based): chr12:8,058,956, C duplicated on the plus strand (G on the coding strand, the reverse complement: C3AR1 is on the minus strand); the first of 4 consecutive C bases (chr12:8,058,956-8,058,959); duplicating any one gives the same sequence. VCF-style (leftmost placement, unchanged base first): chr12-8058955-T-TC. GRCh37 (hg19) VCF-style: chr12-8211551-T-TC.
Other names: c.1230dup, p.Lys411fs (NM_001326475.2, NM_001326477.2); short protein forms K411fs.
Identifiers: ClinVar variation 2635463 (VCV002635463.1), dbSNP rs746179745, ClinGen allele CA2695199051.

ClinVar aggregate classification (germline): Uncertain significance (1 of 4 stars; one submission).

Conditions:
C3AR1-related disorder. Also called: C3AR1-related condition.

Submission:

PreventionGenetics, part of Exact Sciences
Classification: Uncertain significance for C3AR1-related condition. Last evaluated: 2022-12-02. Review status: criteria provided, single submitter. Criteria: ACMG Guidelines, 2015. Collection method: clinical testing. Allele origin: germline.
Comment: The C3AR1 c.1230dupG variant is predicted to result in a frameshift and premature protein termination (p.Lys411Glufs*18). To our knowledge, this variant has not been reported in the literature or in a large population database, indicating this variant is rare. Furthermore, it is located in the terminal exon of this gene. At this time, the clinical significance of this variant is uncertain due to the absence of conclusive functional and genetic evidence.